The following is an entry in ClinVar:

ClinVar aggregate classification (germline): Uncertain significance (1 of 4 stars; one submission).

Conditions:
Autosomal recessive nonsyndromic hearing loss 12. Also called: DEAFNESS, AUTOSOMAL RECESSIVE 12. Identifiers: Orphanet 90636, MedGen C1832394, MONDO:0011067, OMIM 601386.

Submission:

OLLIN Analises Genomicas, OLLIN
Classification: Uncertain significance for Autosomal recessive nonsyndromic hearing loss 12. Last evaluated: 2026-08-06. Review status: criteria provided, single submitter. Criteria: ACMG Guidelines 2015 PMID 25741868. Collection method: clinical testing. Allele origin: germline. Inheritance: Autosomal recessive inheritance.
Comment: This missense variant, located in exon 38 (of 70), is absent from gnomAD and ClinVar and has not been identified in the literature. In silico analysis is inconclusive regarding the impact of this variant. According to the currently available evidence, this variant has been classified as uncertain significance (PM2_P).

NM_022124.6(CDH23):c.4732A>T (p.Met1578Leu)

Gene: CDH23 (cadherin related 23; plus strand). Cytogenetic location: 10q22.1.
Variant type: single nucleotide variant.
Coding change: c.4732A>T on transcript NM_022124.6 (MANE Select); coding-DNA position 4732, A replaced by T.
Protein change: p.Met1578Leu; replaces methionine 1578 with leucine.
Molecular consequence: missense variant.
Genome position (GRCh38, 1-based): chr10:71,741,808, A>T. VCF-style: chr10-71741808-A-T. GRCh37 (hg19) VCF-style: chr10-73501565-A-T.
Other names: short protein forms M1578L.
Identifiers: ClinVar variation 5003160 (VCV005003160.1).